The following is an entry in ClinVar:

ClinVar aggregate classification (germline): Uncertain significance. Review status: criteria provided, multiple submitters, no conflicts (2 of 4 stars). 2 submissions from 2 submitters: Uncertain significance (2). Last evaluated 2023-04-18.

Conditions:
Inborn genetic diseases. Identifiers: MedGen C0950123, MeSH D030342.

Allele frequency attached by ClinVar (database versions not stated): gnomAD exomes 0.00001 and 0.00002; gnomAD 0.00003 and 0.00004; TOPMed 0.00003.
gnomAD v4.1: 19 of 1,610,334 alleles (0.0012%); highest among the groups gnomAD compares: East Asian, 0.013%; no homozygotes.

Submissions (2):

Ambry Genetics
Classification: Uncertain significance for Inborn genetic diseases. Last evaluated: 2023-04-18. Review status: criteria provided, single submitter. Criteria: Ambry Variant Classification Scheme 2023. Collection method: clinical testing. Allele origin: germline.

Labcorp Genetics (formerly Invitae), Labcorp
Classification: Uncertain significance. Last evaluated: 2021-11-13. Review status: criteria provided, single submitter. Criteria: Invitae Variant Classification Sherloc (09022015). Collection method: clinical testing. Allele origin: germline.
Comment: In summary, the available evidence is currently insufficient to determine the role of this variant in disease. Therefore, it has been classified as a Variant of Uncertain Significance. Algorithms developed to predict the effect of missense changes on protein structure and function output the following: SIFT: "Tolerated"; PolyPhen-2: "Benign"; Align-GVGD: "Class C0". The valine amino acid residue is found in multiple mammalian species, which suggests that this missense change does not adversely affect protein function. This variant has not been reported in the literature in individuals affected with MMP14-related conditions. This variant is present in population databases (no rsID available, gnomAD 0.03%). This sequence change replaces alanine, which is neutral and non-polar, with valine, which is neutral and non-polar, at codon 539 of the MMP14 protein (p.Ala539Val).

NM_004995.4(MMP14):c.1616C>T (p.Ala539Val)

Gene: MMP14 (matrix metallopeptidase 14; plus strand). Cytogenetic location: 14q11.2.
Variant type: single nucleotide variant.
Coding change: c.1616C>T on transcript NM_004995.4 (MANE Select); coding-DNA position 1616, C replaced by T.
Protein change: p.Ala539Val; replaces alanine 539 with valine.
Molecular consequence: missense variant.
Genome position (GRCh38, 1-based): chr14:22,845,906, C>T. VCF-style: chr14-22845906-C-T. GRCh37 (hg19) VCF-style: chr14-23315115-C-T.
Other names: c.1616C>T (NM_004995.2); short protein forms A539V.
Identifiers: ClinVar variation 1474375 (VCV001474375.7), dbSNP rs1406906704, ClinGen allele CA388935159.